The following is an entry in ClinVar:

ClinVar aggregate classification (germline): Uncertain significance (1 of 4 stars; one submission).

Conditions:
Werner syndrome (WRN). Identifiers: Orphanet 902, MedGen C0043119, MONDO:0010196, OMIM 277700.

Allele frequency attached by ClinVar (database versions not stated): gnomAD 0.00001; TOPMed 0.00001.
gnomAD v4.1: 2 of 1,612,280 alleles (0.00012%); highest among the groups gnomAD compares: Non-Finnish European, 0.00017%; no homozygotes.

Submission:

Labcorp Genetics (formerly Invitae), Labcorp
Classification: Uncertain significance for Werner syndrome. Last evaluated: 2022-06-28. Review status: criteria provided, single submitter. Criteria: Invitae Variant Classification Sherloc (09022015). Collection method: clinical testing. Allele origin: germline.
Comment: This sequence change replaces alanine, which is neutral and non-polar, with threonine, which is neutral and polar, at codon 871 of the WRN protein (p.Ala871Thr). This variant is not present in population databases (gnomAD no frequency). This variant has not been reported in the literature in individuals affected with WRN-related conditions. ClinVar contains an entry for this variant (Variation ID: 1034850). Algorithms developed to predict the effect of missense changes on protein structure and function are either unavailable or do not agree on the potential impact of this missense change (SIFT: "Not Available"; PolyPhen-2: "Benign"; Align-GVGD: "Not Available"). In summary, the available evidence is currently insufficient to determine the role of this variant in disease. Therefore, it has been classified as a Variant of Uncertain Significance.

NM_000553.6(WRN):c.2611G>A (p.Ala871Thr)

Gene: WRN (WRN RecQ like helicase; plus strand). Cytogenetic location: 8p12.
Variant type: single nucleotide variant.
Coding change: c.2611G>A on transcript NM_000553.6 (MANE Select); coding-DNA position 2611, G replaced by A.
Protein change: p.Ala871Thr; replaces alanine 871 with threonine.
Molecular consequence: missense variant.
Genome position (GRCh38, 1-based): chr8:31,120,405, G>A. VCF-style: chr8-31120405-G-A. GRCh37 (hg19) VCF-style: chr8-30977921-G-A.
Other names: short protein forms A871T.
Identifiers: ClinVar variation 1034850 (VCV001034850.2), dbSNP rs1333185923, ClinGen allele CA370915769.